The following is an entry in ClinVar:

ClinVar aggregate classification (germline): Likely pathogenic (1 of 4 stars; one submission).

Conditions:
Cortical dysplasia, complex, with other brain malformations 9. Identifiers: MedGen C4748540, MONDO:0032578, OMIM 618174.

Submission:

Kasturba Medical College, Manipal, Kasturba Medical College, Manipal, Manipal Academy of Higher Education, Manipal, India
Classification: Likely pathogenic for Cortical dysplasia, complex, with other brain malformations 9. Review status: criteria provided, single submitter. Criteria: ACMG Guidelines, 2015. Collection method: research. Allele origin: germline. Inheritance: Autosomal recessive inheritance. Affected: yes.
Comment: This variant is absent in homozygous and/or heterozygous state from the population database gnomAD (v.4.1.0). This variant is predicted to cause introduction of a premature termination codon which may either trigger nonsense-mediated mRNA decay or result in a truncated protein product. There are other truncating variants reported downstream of the above-mentioned variant known to cortical dysplasia, complex, with other brain malformations 9.

NM_001282597.3(CTNNA2):c.544G>T (p.Glu182Ter)

Gene: CTNNA2 (catenin alpha 2; plus strand). Cytogenetic location: 2p12.
Variant type: single nucleotide variant.
Coding change: c.544G>T on transcript NM_001282597.3 (MANE Select); coding-DNA position 544, G replaced by T.
Protein change: p.Glu182Ter; replaces glutamic acid 182 with a stop codon.
Molecular consequence: nonsense.
Genome position (GRCh38, 1-based): chr2:79,869,894, G>T. VCF-style: chr2-79869894-G-T. GRCh37 (hg19) VCF-style: chr2-80097020-G-T.
Other names: c.544G>T, p.Glu182Ter (NM_001164883.2, NM_001399737.1, NM_004389.4); c.646G>T, p.Glu216Ter (NM_001282598.2); short protein forms E182*, E216*.
Identifiers: ClinVar variation 3390860 (VCV003390860.2).